The following is an entry in ClinVar:

ClinVar aggregate classification (germline): Uncertain significance (1 of 4 stars; one submission).

Conditions:
Neurofibromatosis, type 1 (NF1). Also called: VON RECKLINGHAUSEN DISEASE; Peripheral type neurofibromatosis; NEUROFIBROMATOSIS, TYPE I, SOMATIC; Neurofibromatosis, type I. Identifiers: Orphanet 636, MedGen C0027831, MONDO:0018975, OMIM 162200. Disease mechanism: loss of function.

Submission:

Labcorp Genetics (formerly Invitae), Labcorp
Classification: Uncertain significance for Neurofibromatosis, type 1. Last evaluated: 2024-03-19. Review status: criteria provided, single submitter. Criteria: Invitae Variant Classification Sherloc (09022015). Collection method: clinical testing. Allele origin: germline.
Comment: This sequence change replaces phenylalanine, which is neutral and non-polar, with serine, which is neutral and polar, at codon 1938 of the NF1 protein (p.Phe1938Ser). This variant is not present in population databases (gnomAD no frequency). This variant has not been reported in the literature in individuals affected with NF1-related conditions. Advanced modeling of protein sequence and biophysical properties (such as structural, functional, and spatial information, amino acid conservation, physicochemical variation, residue mobility, and thermodynamic stability) performed at Invitae indicates that this missense variant is expected to disrupt NF1 protein function with a positive predictive value of 95%. In summary, the available evidence is currently insufficient to determine the role of this variant in disease. Therefore, it has been classified as a Variant of Uncertain Significance.

NM_001042492.3(NF1):c.5876T>C (p.Phe1959Ser)

Gene: NF1 (neurofibromin 1; plus strand). Cytogenetic location: 17q11.2.
Variant type: single nucleotide variant.
Coding change: c.5876T>C on transcript NM_001042492.3 (MANE Select); coding-DNA position 5876, T replaced by C.
Protein change: p.Phe1959Ser; replaces phenylalanine 1959 with serine.
Molecular consequence: missense variant.
Genome position (GRCh38, 1-based): chr17:31,334,901, T>C. VCF-style: chr17-31334901-T-C. GRCh37 (hg19) VCF-style: chr17-29661919-T-C.
Other names: c.5813T>C, p.Phe1938Ser (NM_000267.4); short protein forms F1938S, F1959S.
Identifiers: ClinVar variation 3634578 (VCV003634578.2).